The following is an entry in ClinVar:

ClinVar aggregate classification (germline): Benign (1 of 4 stars; one submission).

Conditions:
Schnyder crystalline corneal dystrophy (SCCD). Also called: Crystalline corneal dystrophy; Schnyder corneal dystrophy. Identifiers: Orphanet 98967, MedGen C0271287, MONDO:0007374, OMIM 121800.

Allele frequency attached by ClinVar (database versions not stated): 1000 Genomes Project 30x 0.00047; gnomAD 0.00151 and 0.00155; gnomAD exomes 0.00187; 1000 Genomes Project 0.00060; TOPMed 0.00160.
gnomAD v4.1: 235 of 153,844 alleles (0.15%); highest among the groups gnomAD compares: Non-Finnish European, 0.28%; 1 homozygote.

Submission:

Illumina Laboratory Services, Illumina
Classification: Benign for Schnyder crystalline corneal dystrophy. Last evaluated: 2018-01-13. Review status: criteria provided, single submitter. Criteria: ICSL Variant Classification Criteria 13 December 2019. Collection method: clinical testing. Allele origin: germline.
Comment: This variant was observed in the ICSL laboratory as part of a predisposition screen in an ostensibly healthy population. It had not been previously curated by ICSL or reported in the Human Gene Mutation Database (HGMD: prior to June 1st, 2018), and was therefore a candidate for classification through an automated scoring system. Utilizing variant allele frequency, disease prevalence and penetrance estimates, and inheritance mode, an automated score was calculated to assess if this variant is too frequent to cause the disease. Based on the score and internal cut-off values, a variant classified as benign is not then subjected to further curation. The score for this variant resulted in a classification of benign for this disease.

NM_013319.3(UBIAD1):c.*684C>A

Gene: UBIAD1 (UbiA prenyltransferase domain containing 1; plus strand). Cytogenetic location: 1p36.22.
Variant type: single nucleotide variant.
Coding change: c.*684C>A on transcript NM_013319.3 (MANE Select); 684 bases downstream of the stop codon, C replaced by A.
Molecular consequence: 3 prime UTR variant. On other transcripts: intron variant (2).
Genome position (GRCh38, 1-based): chr1:11,286,815, C>A. VCF-style: chr1-11286815-C-A. GRCh37 (hg19) VCF-style: chr1-11346872-C-A.
Other names: c.618+1083C>A (NM_001330349.2); c.530-8058C>A (NM_001330350.2).
Identifiers: ClinVar variation 291883 (VCV000291883.5), dbSNP rs375520410, ClinGen allele CA10607329.